The following is an entry in ClinVar:

NM_033305.3(VPS13A):c.6439C>T (p.Gln2147Ter)

Gene: VPS13A (vacuolar protein sorting 13 homolog A; plus strand). Cytogenetic location: 9q21.2.
Variant type: single nucleotide variant.
Coding change: c.6439C>T on transcript NM_033305.3 (MANE Select); coding-DNA position 6439, C replaced by T.
Protein change: p.Gln2147Ter; replaces glutamine 2147 with a stop codon.
Molecular consequence: nonsense.
Genome position (GRCh38, 1-based): chr9:77,339,576, C>T. VCF-style: chr9-77339576-C-T. GRCh37 (hg19) VCF-style: chr9-79954492-C-T.
Other names: c.6322C>T, p.Gln2108Ter (NM_001018037.2); c.6439C>T, p.Gln2147Ter (NM_001018038.3, NM_015186.4); short protein forms Q2108*, Q2147*.
Identifiers: ClinVar variation 4733108 (VCV004733108.1).

ClinVar aggregate classification (germline): Pathogenic (1 of 4 stars; one submission).

Submission:

Labcorp Genetics (formerly Invitae), Labcorp
Classification: Pathogenic. Last evaluated: 2025-12-13. Review status: criteria provided, single submitter. Criteria: Invitae Variant Classification Sherloc (09022015). Collection method: clinical testing. Allele origin: germline.
Comment: This sequence change creates a premature translational stop signal (p.Gln2147*) in the VPS13A gene. It is expected to result in an absent or disrupted protein product. Loss-of-function variants in VPS13A are known to be pathogenic (PMID: 12404112, 21598378). This variant is not present in population databases (gnomAD no frequency). This variant has not been reported in the literature in individuals affected with VPS13A-related conditions. For these reasons, this variant has been classified as Pathogenic.

Literature cited by the submitters: PubMed 12404112; PubMed 21598378.